The following is an entry in ClinVar:

NM_017617.5(NOTCH1):c.2693G>T (p.Gly898Val)

Gene: NOTCH1 (notch receptor 1; minus strand). Cytogenetic location: 9q34.3.
Variant type: single nucleotide variant.
Coding change: c.2693G>T on transcript NM_017617.5 (MANE Select); coding-DNA position 2693, G replaced by T.
Protein change: p.Gly898Val; replaces glycine 898 with valine.
Molecular consequence: missense variant.
Genome position (GRCh38, 1-based): chr9:136,510,700, C>A on the plus strand (G>T on the coding strand, the complement: NOTCH1 is on the minus strand). VCF-style: chr9-136510700-C-A. GRCh37 (hg19) VCF-style: chr9-139405152-C-A.
Other names: short protein forms G898V.
Identifiers: ClinVar variation 3373674 (VCV003373674.2).

ClinVar aggregate classification (germline): Uncertain significance. Review status: criteria provided, multiple submitters, no conflicts (2 of 4 stars). 2 submissions from 2 submitters: Uncertain significance (2). Last evaluated 2025-04-20.

Conditions:
Familial thoracic aortic aneurysm and aortic dissection (TAAD). Also called: Thoracic aortic aneurysms and dissections. Identifiers: Orphanet 91387, MedGen C4707243, MONDO:0019625.

Submissions (2):

Ambry Genetics
Classification: Uncertain significance for Familial thoracic aortic aneurysm and aortic dissection. Last evaluated: 2025-04-20. Review status: criteria provided, single submitter. Criteria: Ambry Variant Classification Scheme 2023. Collection method: clinical testing. Allele origin: germline.

GeneDx
Classification: Uncertain significance. Last evaluated: 2024-03-12. Review status: criteria provided, single submitter. Criteria: GeneDx Variant Classification Process June 2021. Collection method: clinical testing. Allele origin: germline. Affected: yes.
Comment: Not observed at significant frequency in large population cohorts (gnomAD); In silico analysis supports that this missense variant has a deleterious effect on protein structure/function; Has not been previously published as pathogenic or benign to our knowledge